The following is an entry in ClinVar:

NM_201596.3(CACNB2):c.1592G>A (p.Arg531His)

Gene: CACNB2 (calcium voltage-gated channel auxiliary subunit beta 2; plus strand). Cytogenetic location: 10p12.31.
Variant type: single nucleotide variant.
Coding change: c.1592G>A on transcript NM_201596.3 (MANE Select); coding-DNA position 1592, G replaced by A.
Protein change: p.Arg531His; replaces arginine 531 with histidine.
Molecular consequence: missense variant.
Genome position (GRCh38, 1-based): chr10:18,539,333, G>A. VCF-style: chr10-18539333-G-A. GRCh37 (hg19) VCF-style: chr10-18828262-G-A.
Other names: p.R476H:CGC>CAC; c.1427G>A, p.Arg476His (NM_000724.4); c.1394G>A, p.Arg465His (NM_001167945.2); c.1313G>A, p.Arg438His (NM_001330060.2); c.1448G>A, p.Arg483His (NM_201570.3); c.1508G>A, p.Arg503His (NM_201571.4); c.1436G>A, p.Arg479His (NM_201572.4); c.1430G>A, p.Arg477His (NM_201590.3); and 2 more; short protein forms R476H, R477H, R531H, R438H, R507H, R479H, R465H, R503H.
Identifiers: ClinVar variation 190729 (VCV000190729.22), dbSNP rs184280124, ClinGen allele CA301858.

ClinVar aggregate classification (germline): Conflicting classifications of pathogenicity. Review status: criteria provided, conflicting classifications (1 of 4 stars). 6 submissions from 6 submitters: Uncertain significance (1); Likely benign (5). Last evaluated 2026-01-31.

Conditions:
CACNB2-related disorder. Also called: CACNB2-related condition.
Cardiovascular phenotype. Identifiers: MedGen CN230736.
Brugada syndrome 4 (BRGDA4). Identifiers: Orphanet 130, MedGen C2678477, MONDO:0012743, OMIM 611876.

Allele frequency attached by ClinVar (database versions not stated): ExAC 0.00007; 1000 Genomes Project 30x 0.00031; 1000 Genomes Project 0.00040; TOPMed 0.00046; gnomAD 0.00055 and 0.00057.
gnomAD v4.1: 215 of 1,614,062 alleles (0.013%); highest among the groups gnomAD compares: Admixed American, 0.25%; 1 homozygote.

Submissions (6):

Labcorp Genetics (formerly Invitae), Labcorp
Classification: Likely benign for Brugada syndrome 4. Last evaluated: 2026-01-31. Review status: criteria provided, single submitter. Criteria: Invitae Variant Classification Sherloc (09022015). Collection method: clinical testing. Allele origin: germline.

PreventionGenetics, part of Exact Sciences
Classification: Likely benign for CACNB2-related condition. Last evaluated: 2025-10-02. Review status: criteria provided, single submitter. Criteria: ACMG Guidelines, 2015. Collection method: clinical testing. Allele origin: germline.
Comment: This variant is classified as likely benign based on ACMG/AMP sequence variant interpretation guidelines (Richards et al. 2015 PMID: 25741868, with internal and published modifications).

Ambry Genetics
Classification: Likely benign for Cardiovascular phenotype. Last evaluated: 2025-08-28. Review status: criteria provided, single submitter. Criteria: Ambry Variant Classification Scheme 2023. Collection method: clinical testing. Allele origin: germline.

ARUP Laboratories, Molecular Genetics and Genomics, ARUP Laboratories
Classification: Uncertain significance for Brugada syndrome 4. Last evaluated: 2023-11-08. Review status: criteria provided, single submitter. Criteria: ARUP Molecular Germline Variant Investigation Process 2024. Collection method: clinical testing. Allele origin: germline.
Comment: The CACNB2 c.1430G>A; p.Arg477His variant (rs184280124), to our knowledge, is not reported in the medical literature but is reported in ClinVar (Variation ID: 190729). This variant is found in the Latino population with an allele frequency of 0.14% (49/34,420 alleles) in the Genome Aggregation Database. The arginine at codon 477 is moderately conserved considering 12 species and computational analyses (SIFT: tolerated, PolyPhen-2: probably damaging) predict conflicting effects of this variant on protein structure/function. Due to limited information, the clinical significance of this variant is uncertain at this time.

Women's Health and Genetics/Laboratory Corporation of America, LabCorp
Classification: Likely benign. Last evaluated: 2022-08-06. Review status: criteria provided, single submitter. Criteria: LabCorp Variant Classification Summary - May 2015. Collection method: clinical testing. Allele origin: germline.

GeneDx
Classification: Likely benign. Last evaluated: 2021-07-28. Review status: criteria provided, single submitter. Criteria: GeneDx Variant Classification Process June 2021. Collection method: clinical testing. Allele origin: germline. Affected: yes.